The following is an entry in ClinVar:

NM_080732.4(EGLN2):c.386C>T (p.Pro129Leu)

Genes: EGLN2 (egl-9 family hypoxia inducible factor 2; plus strand), RAB4B-EGLN2 (RAB4B-EGLN2 readthrough (NMD candidate); plus strand). Cytogenetic location: 19q13.2.
Variant type: single nucleotide variant.
Coding change: c.386C>T on transcript NM_080732.4 (MANE Select); coding-DNA position 386, C replaced by T.
Protein change: p.Pro129Leu; replaces proline 129 with leucine.
Molecular consequence: missense variant. On other transcripts: non-coding transcript variant (1).
Genome position (GRCh38, 1-based): chr19:40,800,958, C>T. VCF-style: chr19-40800958-C-T. GRCh37 (hg19) VCF-style: chr19-41306863-C-T.
Other names: c.386C>T, p.Pro129Leu (NM_053046.4); short protein forms P129L.
Identifiers: ClinVar variation 1735676 (VCV001735676.3), dbSNP rs2083252205, ClinGen allele CA405955142.
Genomic context (GRCh38, chr19:40,800,958, plus strand): 5'-CCCAGGGCGCACGGCCTGAGGCCCCCAAACGGAAATGGGCCGAGGATGGTGGGGATGCCC[C>T]TTCACCCAGCAAACGGCCCTGGGCCAGGCAAGAGAACCAGGAGGCAGAGCGGGAGGGTGG-3'
Protein context (NP_542770.2, residues 119-139): RKWAEDGGDA[Pro129Leu]SPSKRPWARQ

ClinVar aggregate classification (germline): Uncertain significance (1 of 4 stars; one submission).

Allele frequency attached by ClinVar (database versions not stated): gnomAD exomes below 0.00001; TOPMed below 0.00001.
gnomAD v4.1: 3 of 1,611,200 alleles (0.00019%); highest among the groups gnomAD compares: East Asian, 0.0022%; no homozygotes.

Submission:

Ambry Genetics
Classification: Uncertain significance. Last evaluated: 2024-07-16. Review status: criteria provided, single submitter. Criteria: Ambry Variant Classification Scheme 2023. Collection method: clinical testing. Allele origin: germline.
Comment: The p.P129L variant (also known as c.386C>T), located in coding exon 1 of the EGLN2 gene, results from a C to T substitution at nucleotide position 386. The proline at codon 129 is replaced by leucine, an amino acid with similar properties. This amino acid position is conserved. In addition, this alteration is predicted to be tolerated by in silico analysis. Since supporting evidence is limited at this time, the clinical significance of this alteration remains unclear.